The following is an entry in ClinVar:

NM_000059.4(BRCA2):c.1844A>G (p.Asn615Ser)

Gene: BRCA2 (BRCA2 DNA repair associated; plus strand). Cytogenetic location: 13q13.1.
Variant type: single nucleotide variant.
Coding change: c.1844A>G on transcript NM_000059.4 (MANE Select); coding-DNA position 1844, A replaced by G.
Protein change: p.Asn615Ser; replaces asparagine 615 with serine.
Molecular consequence: missense variant.
Genome position (GRCh38, 1-based): chr13:32,333,322, A>G. VCF-style: chr13-32333322-A-G. GRCh37 (hg19) VCF-style: chr13-32907459-A-G.
Other names: short protein forms N615S.
Identifiers: ClinVar variation 1172374 (VCV001172374.5), dbSNP rs1593894051, ClinGen allele CA387766313.

ClinVar aggregate classification (germline): Conflicting classifications of pathogenicity. Review status: criteria provided, conflicting classifications (1 of 4 stars). 2 submissions from 2 submitters: Uncertain significance (1); Likely benign (1). Last evaluated 2023-03-23.

Conditions:
Hereditary cancer-predisposing syndrome. Also called: Tumor predisposition; Hereditary neoplastic syndrome; Hereditary Cancer Syndrome; Neoplastic Syndromes, Hereditary. Identifiers: Orphanet 140162, MedGen C0027672, MeSH D009386, MONDO:0015356.

Submissions (2):

University of Washington Department of Laboratory Medicine, University of Washington
Classification: Likely benign for Hereditary cancer-predisposing syndrome. Last evaluated: 2023-03-23. Review status: criteria provided, single submitter. Criteria: Dines et al. (Genet Med. 2020). Collection method: curation. Allele origin: germline.
Comment: Missense variant in a coldspot region where missense variants are very unlikely to be pathogenic (PMID:31911673).

BRCA2 exon 10 coldspot. Reclassification based on statistical prior probability.

Color Diagnostics, LLC DBA Color Health
Classification: Uncertain significance for Hereditary cancer-predisposing syndrome. Last evaluated: 2021-04-22. Review status: criteria provided, single submitter. Criteria: ACMG Guidelines, 2015. Collection method: clinical testing. Allele origin: germline.
Comment: This missense variant replaces asparagine with serine at codon 615 of the BRCA2 protein. Computational prediction suggests that this variant may not impact protein structure and function (internally defined REVEL score threshold <= 0.5, PMID: 27666373). To our knowledge, functional studies have not been reported for this variant. This variant has not been reported in individuals affected with hereditary cancer in the literature. This variant has not been identified in the general population by the Genome Aggregation Database (gnomAD). The available evidence is insufficient to determine the role of this variant in disease conclusively. Therefore, this variant is classified as a Variant of Uncertain Significance.